The following is an entry in ClinVar:

NM_201525.4(ADGRG1):c.136C>T (p.Leu46Phe)

Gene: ADGRG1 (adhesion G protein-coupled receptor G1; plus strand). Cytogenetic location: 16q21.
Variant type: single nucleotide variant.
Coding change: c.136C>T on transcript NM_201525.4 (MANE Select); coding-DNA position 136, C replaced by T.
Protein change: p.Leu46Phe; replaces leucine 46 with phenylalanine.
Molecular consequence: missense variant. On other transcripts: 5 prime UTR variant (5), intron variant (2).
Genome position (GRCh38, 1-based): chr16:57,651,271, C>T. VCF-style: chr16-57651271-C-T. GRCh37 (hg19) VCF-style: chr16-57685183-C-T.
Other names: c.136C>T, p.Leu46Phe (NM_001145770.3, NM_001145771.3, NM_001145772.3 and 16 more transcripts); c.151C>T, p.Leu51Phe (NM_001145773.3, NM_001370433.1); c.-390C>T (NM_001290143.2, NM_001290144.2, NM_001370451.1 and 2 more transcripts); c.110+26C>T (NM_001290142.2); c.65-85C>T (NM_001370442.1); short protein forms L46F, L51F.
Identifiers: ClinVar variation 2197662 (VCV002197662.1), dbSNP rs2545102502, ClinGen allele CA396041673.
Genomic context (GRCh38, chr16:57,651,271, plus strand): 5'-AGGGGCCACAGGGAAGACTTTCGCTTCTGCAGCCAGCGGAACCAGACACACAGGAGCAGC[C>T]TCCACTACAAACCCACACCAGACCTGCGCATCTCCATCGAGAACTCCGAAGAGGCCCTCA-3'
Protein context (NP_958933.1, residues 36-56): SQRNQTHRSS[Leu46Phe]HYKPTPDLRI

ClinVar aggregate classification (germline): Uncertain significance (1 of 4 stars; one submission).

Allele frequency attached by ClinVar (database versions not stated): gnomAD exomes below 0.00001.
gnomAD v4.1: 3 of 1,614,174 alleles (0.00019%); highest among the groups gnomAD compares: East Asian, 0.0045%; no homozygotes.

Submission:

Labcorp Genetics (formerly Invitae), Labcorp
Classification: Uncertain significance. Last evaluated: 2022-03-15. Review status: criteria provided, single submitter. Criteria: Invitae Variant Classification Sherloc (09022015). Collection method: clinical testing. Allele origin: germline.
Comment: This sequence change replaces leucine, which is neutral and non-polar, with phenylalanine, which is neutral and non-polar, at codon 46 of the ADGRG1 protein (p.Leu46Phe). This variant is not present in population databases (gnomAD no frequency). This variant has not been reported in the literature in individuals affected with ADGRG1-related conditions. Algorithms developed to predict the effect of missense changes on protein structure and function are either unavailable or do not agree on the potential impact of this missense change (SIFT: "Deleterious"; PolyPhen-2: "Possibly Damaging"; Align-GVGD: "Class C0"). In summary, the available evidence is currently insufficient to determine the role of this variant in disease. Therefore, it has been classified as a Variant of Uncertain Significance.